The following is an entry in ClinVar:

ClinVar aggregate classification (germline): Conflicting classifications of pathogenicity. Review status: criteria provided, conflicting classifications (1 of 4 stars). 2 submissions from 2 submitters: Uncertain significance (1); Likely benign (1). Last evaluated 2025-02-14.

Conditions:
TGM1-related disorder. Also called: TGM1-related condition.

Allele frequency attached by ClinVar (database versions not stated): gnomAD exomes 0.00002 and 0.00007; ExAC 0.00007; 1000 Genomes Project 30x 0.00016; gnomAD 0.00016 and 0.00018; 1000 Genomes Project 0.00020; ESP Exome Variant Server 0.00023; TOPMed 0.00023.
gnomAD v4.1: 58 of 1,614,004 alleles (0.0036%); highest among the groups gnomAD compares: African/African-American, 0.067%; no homozygotes.

Submissions (2):

PreventionGenetics, part of Exact Sciences
Classification: Uncertain significance for TGM1-related condition. Last evaluated: 2025-02-14. Review status: criteria provided, single submitter. Criteria: ACMG Guidelines, 2015. Collection method: clinical testing. Allele origin: germline.
Comment: The TGM1 c.1528G>A variant is predicted to result in the amino acid substitution p.Asp510Asn. To our knowledge, this variant has not been reported in the literature. This variant is reported in 0.084% of alleles in individuals of African descent in gnomAD, which is likely too common for an undocumented disease-causing variant. Although we suspect that this variant may be benign, at this time, the clinical significance of this variant is uncertain due to the absence of conclusive functional and genetic evidence.

Labcorp Genetics (formerly Invitae), Labcorp
Classification: Likely benign. Last evaluated: 2024-03-27. Review status: criteria provided, single submitter. Criteria: Invitae Variant Classification Sherloc (09022015). Collection method: clinical testing. Allele origin: germline.

NM_000359.3(TGM1):c.1528G>A (p.Asp510Asn)

Gene: TGM1 (transglutaminase 1; minus strand). Cytogenetic location: 14q12.
Variant type: single nucleotide variant.
Coding change: c.1528G>A on transcript NM_000359.3 (MANE Select); coding-DNA position 1528, G replaced by A.
Protein change: p.Asp510Asn; replaces aspartic acid 510 with asparagine.
Molecular consequence: missense variant.
Genome position (GRCh38, 1-based): chr14:24,255,481, C>T on the plus strand (G>A on the coding strand, the complement: TGM1 is on the minus strand). VCF-style: chr14-24255481-C-T. GRCh37 (hg19) VCF-style: chr14-24724687-C-T.
Other names: c.1528G>A (NM_000359.2); short protein forms D510N.
Identifiers: ClinVar variation 1573182 (VCV001573182.9), dbSNP rs7147300, ClinGen allele CA7131055.